The following is an entry in ClinVar:

ClinVar aggregate classification (germline): Uncertain significance (1 of 4 stars; one submission).

Conditions:
Cardiovascular phenotype. Identifiers: MedGen CN230736.

Submission:

Ambry Genetics
Classification: Uncertain significance for Cardiovascular phenotype. Last evaluated: 2025-08-03. Review status: criteria provided, single submitter. Criteria: Ambry Variant Classification Scheme 2023. Collection method: clinical testing. Allele origin: germline.
Comment: The p.H541Q variant (also known as c.1623C>A), located in coding exon 28 of the TRDN gene, results from a C to A substitution at nucleotide position 1623. The histidine at codon 541 is replaced by glutamine, an amino acid with highly similar properties. This amino acid position is conserved. In addition, this alteration is predicted to be tolerated by in silico analysis. Based on the available evidence, the clinical significance of this variant remains unclear.

NM_006073.4(TRDN):c.1623C>A (p.His541Gln)

Gene: TRDN (triadin; minus strand). Cytogenetic location: 6q22.31.
Variant type: single nucleotide variant.
Coding change: c.1623C>A on transcript NM_006073.4 (MANE Select); coding-DNA position 1623, C replaced by A.
Protein change: p.His541Gln; replaces histidine 541 with glutamine.
Molecular consequence: missense variant.
Genome position (GRCh38, 1-based): chr6:123,273,338, G>T on the plus strand (C>A on the coding strand, the complement: TRDN is on the minus strand). VCF-style: chr6-123273338-G-T. GRCh37 (hg19) VCF-style: chr6-123594483-G-T.
Other names: short protein forms H541Q.
Identifiers: ClinVar variation 4190193 (VCV004190193.1).